The following is an entry in ClinVar:

NM_198578.4(LRRK2):c.6307C>T (p.Pro2103Ser)

Gene: LRRK2 (leucine rich repeat kinase 2; plus strand). Cytogenetic location: 12q12.
Variant type: single nucleotide variant.
Coding change: c.6307C>T on transcript NM_198578.4 (MANE Select); coding-DNA position 6307, C replaced by T.
Protein change: p.Pro2103Ser; replaces proline 2103 with serine.
Molecular consequence: missense variant.
Genome position (GRCh38, 1-based): chr12:40,348,435, C>T. VCF-style: chr12-40348435-C-T. GRCh37 (hg19) VCF-style: chr12-40742237-C-T.
Other names: short protein forms P2103S.
Identifiers: ClinVar variation 1752757 (VCV001752757.2), dbSNP rs2499972530, ClinGen allele CA384406022.

ClinVar aggregate classification (germline): Uncertain significance (1 of 4 stars; one submission).

Conditions:
Inborn genetic diseases. Identifiers: MedGen C0950123, MeSH D030342.

Submission:

Ambry Genetics
Classification: Uncertain significance for Inborn genetic diseases. Last evaluated: 2021-12-22. Review status: criteria provided, single submitter. Criteria: Ambry Variant Classification Scheme 2023. Collection method: clinical testing. Allele origin: germline.
Comment: The p.P2103S variant (also known as c.6307C>T), located in coding exon 43 of the LRRK2 gene, results from a C to T substitution at nucleotide position 6307. The proline at codon 2103 is replaced by serine, an amino acid with similar properties. This amino acid position is conserved. In addition, the in silico prediction for this alteration is inconclusive. Since supporting evidence is limited at this time, the clinical significance of this alteration remains unclear.